The following is an entry in ClinVar:

NM_001369.3(DNAH5):c.7463T>C (p.Leu2488Pro)

Gene: DNAH5 (dynein axonemal heavy chain 5; minus strand). Cytogenetic location: 5p15.2.
Variant type: single nucleotide variant.
Coding change: c.7463T>C on transcript NM_001369.3 (MANE Select); coding-DNA position 7463, T replaced by C.
Protein change: p.Leu2488Pro; replaces leucine 2488 with proline.
Molecular consequence: missense variant.
Genome position (GRCh38, 1-based): chr5:13,810,205, A>G on the plus strand (T>C on the coding strand, the complement: DNAH5 is on the minus strand). VCF-style: chr5-13810205-A-G. GRCh37 (hg19) VCF-style: chr5-13810314-A-G.
Other names: short protein forms L2488P.
Identifiers: ClinVar variation 3375404 (VCV003375404.1).
Genomic context (GRCh38, chr5:13,810,205, plus strand): 5'-AGCCAGAGCTCCAGGCGGCGCCGTCCGTCCAGCTCCAGCGCCGCCCCCGCGCTCCACAGC[A>G]GCGCGAACACGAACAGCCGCCCCAGGTGAGCCTGGCTCACCTCCCCGCCTTGCTCCTGAG-3'
Protein context (NP_001360.1, residues 2478-2498): AHLGRLFVFA[Leu2488Pro]LWSAGAALEL

ClinVar aggregate classification (germline): Uncertain significance (1 of 4 stars; one submission).

Submission:

Women's Health and Genetics/Laboratory Corporation of America, LabCorp
Classification: Uncertain significance. Last evaluated: 2024-09-18. Review status: criteria provided, single submitter. Criteria: LabCorp Variant Classification Summary - May 2015. Collection method: clinical testing. Allele origin: germline.
Comment: Variant summary: DNAH5 c.7463T>C (p.Leu2488Pro) results in a non-conservative amino acid change located in the Dynein heavy chain, AAA 5 extension domain (IPR041466) of the encoded protein sequence. Four of five in-silico tools predict a damaging effect of the variant on protein function. The variant was absent in 146834 control chromosomes (gnomAD). c.7463T>C has been reported in the literature in a homozygous individual affected with clinical features of primary ciliary dyskinesia (example: Kim_2014). These data indicate that the variant may be associated with disease. To our knowledge, no experimental evidence demonstrating an impact on protein function has been reported. The following publication has been ascertained in the context of this evaluation (PMID: 24498942). No submitters have cited clinical-significance assessments for this variant to ClinVar. Based on the evidence outlined above, the variant was classified as VUS-possibly pathogenic.

Literature cited by the submitters: PubMed 24498942.